The following is an entry in ClinVar:

NM_000179.3(MSH6):c.826G>A (p.Asp276Asn)

Gene: MSH6 (mutS homolog 6; plus strand). Cytogenetic location: 2p16.3.
Variant type: single nucleotide variant.
Coding change: c.826G>A on transcript NM_000179.3 (MANE Select); coding-DNA position 826, G replaced by A.
Protein change: p.Asp276Asn; replaces aspartic acid 276 with asparagine.
Molecular consequence: missense variant. On other transcripts: 5 prime UTR variant (2).
Genome position (GRCh38, 1-based): chr2:47,798,809, G>A. VCF-style: chr2-47798809-G-A. GRCh37 (hg19) VCF-style: chr2-48025948-G-A.
Other names: c.436G>A, p.Asp146Asn (NM_001281492.2); c.-81G>A (NM_001281493.2, NM_001281494.2); short protein forms D146N, D276N.
Identifiers: ClinVar variation 954549 (VCV000954549.10), dbSNP rs1669259746, ClinGen allele CA346740442.
Genomic context (GRCh38, chr2:47,798,809, plus strand): 5'-AGTGACATTGGTGGCTCTGATGTGGAATTTAAGCCAGACACTAAGGAGGAAGGAAGCAGT[G>A]ATGAAATAAGCAGTGGAGTGGGGGATAGTGAGAGTGAAGGCCTGAACAGCCCTGTCAAAG-3'
Protein context (NP_000170.1, residues 266-286): KPDTKEEGSS[Asp276Asn]EISSGVGDSE

ClinVar aggregate classification (germline): Uncertain significance (1 of 4 stars; one submission).

Conditions:
Hereditary nonpolyposis colorectal neoplasms. Identifiers: MedGen C0009405, MeSH D003123.

Submission:

Labcorp Genetics (formerly Invitae), Labcorp
Classification: Uncertain significance for Hereditary nonpolyposis colorectal neoplasms. Last evaluated: 2023-10-10. Review status: criteria provided, single submitter. Criteria: Invitae Variant Classification Sherloc (09022015). Collection method: clinical testing. Allele origin: germline.
Comment: This sequence change replaces aspartic acid, which is acidic and polar, with asparagine, which is neutral and polar, at codon 276 of the MSH6 protein (p.Asp276Asn). This variant is not present in population databases (gnomAD no frequency). This variant has not been reported in the literature in individuals affected with MSH6-related conditions. ClinVar contains an entry for this variant (Variation ID: 954549). Advanced modeling of protein sequence and biophysical properties (such as structural, functional, and spatial information, amino acid conservation, physicochemical variation, residue mobility, and thermodynamic stability) performed at Invitae indicates that this missense variant is not expected to disrupt MSH6 protein function. In summary, the available evidence is currently insufficient to determine the role of this variant in disease. Therefore, it has been classified as a Variant of Uncertain Significance.